The following is an entry in ClinVar:

ClinVar aggregate classification (germline): Uncertain significance (1 of 4 stars; one submission).

Submission:

Ambry Genetics
Classification: Uncertain significance. Last evaluated: 2021-12-11. Review status: criteria provided, single submitter. Criteria: Ambry Variant Classification Scheme 2023. Collection method: clinical testing. Allele origin: germline.
Comment: The p.R413I variant (also known as c.1238G>T), located in coding exon 1 of the MLH3 gene, results from a G to T substitution at nucleotide position 1238. The arginine at codon 413 is replaced by isoleucine, an amino acid with similar properties. This amino acid position is conserved. In addition, this alteration is predicted to be deleterious by in silico analysis. Since supporting evidence is limited at this time, the clinical significance of this alteration remains unclear.

NM_001040108.2(MLH3):c.1238G>T (p.Arg413Ile)

Gene: MLH3 (mutL homolog 3; minus strand). Cytogenetic location: 14q24.3.
Variant type: single nucleotide variant.
Coding change: c.1238G>T on transcript NM_001040108.2 (MANE Select); coding-DNA position 1238, G replaced by T.
Protein change: p.Arg413Ile; replaces arginine 413 with isoleucine.
Molecular consequence: missense variant.
Genome position (GRCh38, 1-based): chr14:75,048,418, C>A on the plus strand (G>T on the coding strand, the complement: MLH3 is on the minus strand). VCF-style: chr14-75048418-C-A. GRCh37 (hg19) VCF-style: chr14-75515121-C-A.
Other names: c.1238G>T, p.Arg413Ile (NM_014381.3); short protein forms R413I.
Identifiers: ClinVar variation 1757438 (VCV001757438.2), dbSNP rs2503300732, ClinGen allele CA390446884.
Genomic context (GRCh38, chr14:75,048,418, plus strand): 5'-TTTCTGGTAGCTTCTGAATCCCTAGAACTCTGTGTGTTTACGTTTTCTGCAGTAGTTTTT[C>A]TTTTCACAGCTTTTGACTGCAAATTAAACATCTCATAGGAATCTAAAATATTATTACATG-3'
Protein context (NP_001035197.1, residues 403-423): MFNLQSKAVK[Arg413Ile]KTTAENVNTQ